The following is an entry in ClinVar:

NM_032043.3(BRIP1):c.-47G>C

Gene: BRIP1 (BRCA1 interacting DNA helicase 1; minus strand). Cytogenetic location: 17q23.2.
Variant type: single nucleotide variant.
Coding change: c.-47G>C on transcript NM_032043.3 (MANE Select); 47 bases upstream of the start codon, G replaced by C.
Molecular consequence: 5 prime UTR variant.
Genome position (GRCh38, 1-based): chr17:61,863,300, C>G on the plus strand (G>C on the coding strand, the complement: BRIP1 is on the minus strand). VCF-style: chr17-61863300-C-G. GRCh37 (hg19) VCF-style: chr17-59940661-C-G.
Identifiers: ClinVar variation 234811 (VCV000234811.2), dbSNP rs876661232, ClinGen allele CA10577570.

ClinVar aggregate classification (germline): Uncertain significance (1 of 4 stars; one submission).

Allele frequency attached by ClinVar (database versions not stated): gnomAD 0.00001 and 0.00002; TOPMed 0.00002.

Submission:

GeneDx
Classification: Uncertain significance. Last evaluated: 2017-10-10. Review status: criteria provided, single submitter. Criteria: GeneDx Variant Classification (06012015). Collection method: clinical testing. Allele origin: germline. Affected: yes.
Comment: This variant is denoted BRIP1 c.-47G>C, and describes a nucleotide substitution 47 base pairs upstream of the BRIP1 ATG translational start site in the 5' untranslated region (UTR). This variant has not, to our knowledge, been published in the literature as pathogenic or benign. This variant does not appear to affect the start codon or the Kozak translational consensus sequence, and this base is not conserved across species. This variant has the potential to cause incorrect splicing, but in silico splicing models are uninformative. At this time, we consider BRIP1 c.-47G>C to be a variant of uncertain significance.